The following is an entry in ClinVar:

NM_004168.4(SDHA):c.619A>C (p.Arg207=)

Gene: SDHA (succinate dehydrogenase complex flavoprotein subunit A; plus strand). Cytogenetic location: 5p15.33.
Variant type: single nucleotide variant.
Coding change: c.619A>C on transcript NM_004168.4 (MANE Select); coding-DNA position 619, A replaced by C.
Protein change: p.Arg207=; no amino-acid change (arginine 207 retained).
Molecular consequence: synonymous variant.
Genome position (GRCh38, 1-based): chr5:226,045, A>C. VCF-style: chr5-226045-A-C. GRCh37 (hg19) VCF-style: chr5-226160-A-C.
Other names: p.Arg207=; c.475A>C, p.Arg159= (NM_001294332.2); c.619A>C, p.Arg207= (NM_001330758.2).
Identifiers: ClinVar variation 130281 (VCV000130281.38), dbSNP rs6555055, ClinGen allele CA155156.

ClinVar aggregate classification (germline): Benign. Review status: criteria provided, multiple submitters, no conflicts (2 of 4 stars). 17 submissions from 15 submitters: Benign (14). 3 of the submissions do not count toward it. Last evaluated 2026-02-04.

Conditions:
Mitochondrial complex II deficiency, nuclear type 1. Also called: SUCCINATE CoQ REDUCTASE DEFICIENCY. Identifiers: Orphanet 3208, MedGen C5700310, MONDO:0100294, OMIM 252011.
Pheochromocytoma/paraganglioma syndrome 5. Also called: SDHA-Related Hereditary Paraganglioma-Pheochromocytoma Syndrome; Paragangliomas 5. Identifiers: Orphanet 29072, MedGen C3279992, MONDO:0013602, OMIM 614165.
Hereditary pheochromocytoma and paraganglioma. Also called: Hereditary Paraganglioma-Pheochromocytoma Syndromes; Hereditary paragangliomas and pheochromocytomas; Hereditary pheochromocytoma-paraganglioma. Identifiers: Orphanet 29072, MedGen C4274332, MONDO:0017366.
Leigh syndrome (NULS). Also called: Leigh Disease; Subacute necrotizing encephalopathy; Necrotizing encephalopathy infantile subacute of Leigh; Leigh's necrotizing encephalopathy; Leigh's disease; Leigh Syndrome (mtDNA deletion). Identifiers: Orphanet 506, MedGen C2931891, MONDO:0009723, OMIM 256000.
Hereditary cancer-predisposing syndrome. Also called: Tumor predisposition; Hereditary neoplastic syndrome; Neoplastic Syndromes, Hereditary; Hereditary Cancer Syndrome. Identifiers: Orphanet 140162, MedGen C0027672, MeSH D009386, MONDO:0015356.

Allele frequency attached by ClinVar (database versions not stated): gnomAD exomes 0.15231; ExAC 0.15683; gnomAD 0.24028 and 0.25190; 1000 Genomes Project 0.24740; 1000 Genomes Project 30x 0.26093; TOPMed 0.26717; ESP Exome Variant Server 0.27095.
gnomAD v4.1: 236,665 of 1,613,886 alleles (15%); highest among the groups gnomAD compares: African/African-American, 53%; 24,113 homozygotes.

Submissions (17):

Labcorp Genetics (formerly Invitae), Labcorp
Classification: Benign for Pheochromocytoma/paraganglioma syndrome 5; Mitochondrial complex II deficiency, nuclear type 1. Last evaluated: 2026-02-04. Review status: criteria provided, single submitter. Criteria: Invitae Variant Classification Sherloc (09022015). Collection method: clinical testing. Allele origin: germline.

Myriad Genetics, Inc.
Classification: Benign for Pheochromocytoma/paraganglioma syndrome 5. Last evaluated: 2025-03-03. Review status: criteria provided, single submitter. Criteria: Myriad Autosomal Dominant, Autosomal Recessive and X-Linked Classification Criteria (2023). Collection method: clinical testing. Allele origin: unknown.
Comment: This variant is considered benign. This variant is a silent/synonymous amino acid change and it is not expected to impact splicing.

Hereditary Cancer Laboratory, Hospital Universitario 12 de Octubre
Classification: Benign for Hereditary cancer-predisposing syndrome. Last evaluated: 2025-01-08. Review status: criteria provided, single submitter. Criteria: ACMG Guidelines, 2015. Collection method: clinical testing. Allele origin: germline.
Comment: BA1+BP6+BP7

Blueprint Genetics
Classification: Benign. Last evaluated: 2024-11-26. Review status: criteria provided, single submitter. Criteria: ACMG Guidelines, 2015. Collection method: clinical testing. Allele origin: germline.

KCCC/NGS Laboratory, Kuwait Cancer Control Center
Classification: Benign for Pheochromocytoma/paraganglioma syndrome 5. Last evaluated: 2023-07-07. Review status: criteria provided, single submitter. Criteria: ACMG Guidelines, 2015. Collection method: clinical testing. Allele origin: germline. Affected: yes.

Mayo Clinic Laboratories, Mayo Clinic
Classification: Benign. Last evaluated: 2022-05-01. Review status: criteria provided, single submitter. Criteria: ACMG Guidelines, 2015. Collection method: clinical testing. Allele origin: germline. Observed: 503 variant alleles.

ARUP Laboratories, Molecular Genetics and Genomics, ARUP Laboratories
Classification: Benign. Last evaluated: 2020-01-03. Review status: criteria provided, single submitter. Criteria: ARUP Molecular Germline Variant Investigation Process. Collection method: clinical testing. Allele origin: germline.

Illumina Laboratory Services, Illumina
Classification: Benign for Leigh syndrome. Last evaluated: 2018-01-12. Review status: criteria provided, single submitter. Criteria: ICSL Variant Classification Criteria 13 December 2019. Collection method: clinical testing. Allele origin: germline.
Comment: This variant was observed in the ICSL laboratory as part of a predisposition screen in an ostensibly healthy population. It had not been previously curated by ICSL or reported in the Human Gene Mutation Database (HGMD: prior to June 1st, 2018), and was therefore a candidate for classification through an automated scoring system. Utilizing variant allele frequency, disease prevalence and penetrance estimates, and inheritance mode, an automated score was calculated to assess if this variant is too frequent to cause the disease. Based on the score and internal cut-off values, a variant classified as benign is not then subjected to further curation. The score for this variant resulted in a classification of benign for this disease.

Illumina Laboratory Services, Illumina
Classification: Benign for Hereditary Paraganglioma-Pheochromocytoma Syndromes. Last evaluated: 2018-01-12. Review status: criteria provided, single submitter. Criteria: ICSL Variant Classification Criteria 13 December 2019. Collection method: clinical testing. Allele origin: germline.
Comment: the same text as in the submission from Illumina Laboratory Services, Illumina above.

Illumina Laboratory Services, Illumina
Classification: Benign for Mitochondrial complex II deficiency, nuclear type 1. Last evaluated: 2018-01-12. Review status: criteria provided, single submitter. Criteria: ICSL Variant Classification Criteria 13 December 2019. Collection method: clinical testing. Allele origin: germline.
Comment: the same text as in the submission from Illumina Laboratory Services, Illumina above.

GeneDx
Classification: Benign. Last evaluated: 2015-03-03. Review status: criteria provided, single submitter. Criteria: GeneDx Variant Classification Process June 2021. Collection method: clinical testing. Allele origin: germline. Affected: yes.

Ambry Genetics
Classification: Benign for Hereditary cancer-predisposing syndrome. Last evaluated: 2014-11-18. Review status: criteria provided, single submitter. Criteria: Ambry Variant Classification Scheme 2023. Collection method: clinical testing. Allele origin: germline.

Breakthrough Genomics
Classification: Benign. Review status: criteria provided, single submitter. Criteria: ACMG Guidelines, 2015. Collection method: not provided. Allele origin: germline. Inheritance: Autosomal recessive inheritance. Affected: yes.

PreventionGenetics, part of Exact Sciences
Classification: Benign. Review status: criteria provided, single submitter. Criteria: ACMG Guidelines, 2015. Collection method: clinical testing. Allele origin: germline.

Genetic Services Laboratory, University of Chicago
Classification: Likely benign for AllHighlyPenetrant. Review status: no assertion criteria provided. Collection method: clinical testing. Allele origin: germline. Not counted in ClinVar's aggregate classification.
Comment: Likely benign based on allele frequency in 1000 Genomes Project or ESP global frequency and its presence in a patient with a rare or unrelated disease phenotype. NOT Sanger confirmed.

Genome Diagnostics Laboratory, University Medical Center Utrecht
Classification: Benign. Review status: no assertion criteria provided. Collection method: clinical testing. Allele origin: germline. Affected: yes. Study: VKGL Data-share Consensus. Not counted in ClinVar's aggregate classification.

Joint Genome Diagnostic Labs from Nijmegen and Maastricht, Radboudumc and MUMC+
Classification: Benign. Review status: no assertion criteria provided. Collection method: clinical testing. Allele origin: germline. Affected: yes. Study: VKGL Data-share Consensus. Not counted in ClinVar's aggregate classification.